The following is an entry in ClinVar:

ClinVar aggregate classification (germline): Uncertain significance (1 of 4 stars; one submission).

Conditions:
Neurofibromatosis, type 1 (NF1). Also called: Peripheral type neurofibromatosis; VON RECKLINGHAUSEN DISEASE; NEUROFIBROMATOSIS, TYPE I, SOMATIC; Neurofibromatosis, type I. Identifiers: Orphanet 636, MedGen C0027831, MONDO:0018975, OMIM 162200. Disease mechanism: loss of function.

Submission:

Labcorp Genetics (formerly Invitae), Labcorp
Classification: Uncertain significance for Neurofibromatosis, type 1. Last evaluated: 2023-12-22. Review status: criteria provided, single submitter. Criteria: Invitae Variant Classification Sherloc (09022015). Collection method: clinical testing. Allele origin: germline.
Comment: This sequence change replaces valine, which is neutral and non-polar, with leucine, which is neutral and non-polar, at codon 185 of the NF1 protein (p.Val185Leu). This variant is not present in population databases (gnomAD no frequency). This variant has not been reported in the literature in individuals affected with NF1-related conditions. Advanced modeling of protein sequence and biophysical properties (such as structural, functional, and spatial information, amino acid conservation, physicochemical variation, residue mobility, and thermodynamic stability) performed at Invitae indicates that this missense variant is not expected to disrupt NF1 protein function with a negative predictive value of 95%. In summary, the available evidence is currently insufficient to determine the role of this variant in disease. Therefore, it has been classified as a Variant of Uncertain Significance.

NM_001042492.3(NF1):c.553G>T (p.Val185Leu)

Gene: NF1 (neurofibromin 1; plus strand). Cytogenetic location: 17q11.2.
Variant type: single nucleotide variant.
Coding change: c.553G>T on transcript NM_001042492.3 (MANE Select); coding-DNA position 553, G replaced by T.
Protein change: p.Val185Leu; replaces valine 185 with leucine.
Molecular consequence: missense variant.
Genome position (GRCh38, 1-based): chr17:31,169,964, G>T. VCF-style: chr17-31169964-G-T. GRCh37 (hg19) VCF-style: chr17-29496982-G-T.
Other names: c.553G>T, p.Val185Leu (NM_000267.4, NM_001128147.3); short protein forms V185L.
Identifiers: ClinVar variation 2704936 (VCV002704936.3), dbSNP rs2143707840, ClinGen allele CA398985266.